The following is an entry in ClinVar:

NM_001352027.3(PHF21A):c.393A>G (p.Thr131=)

Gene: PHF21A (PHD finger protein 21A; minus strand). Cytogenetic location: 11p11.2.
Variant type: single nucleotide variant.
Coding change: c.393A>G on transcript NM_001352027.3 (MANE Select); coding-DNA position 393, A replaced by G.
Protein change: p.Thr131=; no amino-acid change (threonine 131 retained).
Molecular consequence: synonymous variant. On other transcripts: non-coding transcript variant (2).
Genome position (GRCh38, 1-based): chr11:45,971,335, T>C on the plus strand (A>G on the coding strand, the complement: PHF21A is on the minus strand). VCF-style: chr11-45971335-T-C. GRCh37 (hg19) VCF-style: chr11-45992886-T-C.
Other names: c.393A>G, p.Thr131= (NM_001101802.3, NM_001352025.3, NM_001352026.3 and 5 more transcripts); c.390A>G, p.Thr130= (NM_001352030.3).
Identifiers: ClinVar variation 2641739 (VCV002641739.25), dbSNP rs770021049, ClinGen allele CA5961353.

ClinVar aggregate classification (germline): Likely benign. Review status: criteria provided, multiple submitters, no conflicts (2 of 4 stars). 2 submissions from 2 submitters: Likely benign (2). Last evaluated 2022-11-01.

Allele frequency attached by ClinVar (database versions not stated): gnomAD 0.00001; TOPMed 0.00001; ExAC 0.00002; gnomAD exomes 0.00002.
gnomAD v4.1: 34 of 1,614,072 alleles (0.0021%); highest among the groups gnomAD compares: Non-Finnish European, 0.0025%; no homozygotes.

Submissions (2):

CeGaT Center for Human Genetics Tuebingen
Classification: Likely benign. Last evaluated: 2022-11-01. Review status: criteria provided, single submitter. Criteria: CeGaT Center For Human Genetics Tuebingen Variant Classification Criteria Version 2. Collection method: clinical testing. Allele origin: germline. Affected: yes. Observed: 1 variant allele.
Comment: PHF21A: BP4, BP7

Blueprint Genetics
Classification: Likely benign. Last evaluated: 2020-06-09. Review status: criteria provided, single submitter. Criteria: ACMG Guidelines, 2015. Collection method: clinical testing. Allele origin: germline.